The following is an entry in ClinVar:

NM_138694.4(PKHD1):c.11151_11154del (p.Ser3718fs)

Gene: PKHD1 (PKHD1 ciliary IPT domain containing fibrocystin/polyductin; minus strand). Cytogenetic location: 6p12.3.
Variant type: Deletion.
Coding change: c.11151_11154del on transcript NM_138694.4 (MANE Select); coding-DNA positions 11151 to 11154, 4 bases deleted (GTCA; older notation c.11151_11154delGTCA).
Protein change: p.Ser3718fs; shifts the reading frame from serine 3718.
Molecular consequence: frameshift variant.
Genome position (GRCh38, 1-based): chr6:51,658,972-51,658,975, TGAC deleted on the plus strand (GTCA on the coding strand, the reverse complement: PKHD1 is on the minus strand); deleting any 4 consecutive bases within chr6:51,658,972-51,658,978 gives the same sequence; the c. name uses the placement nearest the transcript's 3' end. VCF-style (leftmost placement, unchanged base first): chr6-51658971-TTGAC-T. GRCh37 (hg19) VCF-style: chr6-51523769-TTGAC-T.
Other names: c.11151_11154delGTCA (NM_138694.4); short protein forms S3718fs.
Identifiers: ClinVar variation 3068657 (VCV003068657.3), dbSNP rs1772351745, ClinGen allele CA1628438192.
Genomic context (GRCh38, chr6:51,658,971, plus strand): 5'-AAATCAGCCCTCATTTGGATGTGAATATAATTAGTACTTACCCATAGCCAATGACTCCCT[TTGAC>T]TGAGTAACTAGTAAGGCCCCGATAGTCATATTCAGAACATTCTCTAGTACCCCAGTCTGT-3'

ClinVar aggregate classification (germline): Likely pathogenic. Review status: criteria provided, multiple submitters, no conflicts (2 of 4 stars). 2 submissions from 2 submitters: Likely pathogenic (2). Last evaluated 2024-11-15.

Conditions:
Polycystic kidney disease 4 (PKD4). Also called: POLYCYSTIC KIDNEY AND HEPATIC DISEASE 1; POLYCYSTIC KIDNEY DISEASE, INFANTILE, TYPE I; PKD3; POLYCYSTIC KIDNEY DISEASE 4 WITH OR WITHOUT POLYCYSTIC LIVER DISEASE; Autosomal Recessive Polycystic Kidney Disease – PKHD1. Identifiers: MedGen C4540575, MONDO:0033004, OMIM 263200.

Submissions (2):

Dasa
Classification: Likely pathogenic for Polycystic kidney disease 4. Last evaluated: 2024-11-15. Review status: criteria provided, single submitter. Criteria: DASA Assertion Criteria. Collection method: clinical testing. Allele origin: germline.
Comment: NM_138694.4(PKHD1):c.11151_11154del (p.Ser3718Argfs*17) is a frameshift variant in PKHD1 predicted to alter the reading frame and introduce a premature termination codon and is predicted to result in an absent or altered protein product. Loss of function is an established disease mechanism for PKHD1-associated disorders. Also, this variant is absent from population databases. Based on the currently available evidence, this variant is classified as likely pathogenic.

Molecular Genetics, Royal Melbourne Hospital
Classification: Likely pathogenic for Polycystic kidney disease 4. Last evaluated: 2024-04-07. Review status: criteria provided, single submitter. Criteria: ACMG Guidelines, 2015. Collection method: clinical testing. Allele origin: germline. Inheritance: Autosomal recessive inheritance. Affected: no.
Comment: This sequence change in PKHD1 is a frameshift variant predicted to cause a premature stop codon, p.(Ser3718Argfs*17), in biologically relevant exon 62/66 leading to nonsense-mediated decay in a gene in which loss-of-function is an established disease mechanism (PMID: 11919560, 12506140, 20301501). This variant is absent from the population database gnomAD v4.0. To our knowledge, this variant is novel and has not been previously reported in the relevant scientific literature or databases. Based on the classification scheme RMH Modified ACMG/AMP Guidelines v1.6.1, this variant is classified as LIKELY PATHOGENIC. Following criteria are met: PVS1, PM2_Supporting.

Literature cited by the submitters: PubMed 11919560 (cited by Molecular Genetics, Royal Melbourne Hospital); PubMed 12506140 (cited by Molecular Genetics, Royal Melbourne Hospital); PubMed 20301501 (cited by Molecular Genetics, Royal Melbourne Hospital).